The following is an entry in ClinVar:

ClinVar aggregate classification (germline): Benign. Review status: criteria provided, multiple submitters, no conflicts (2 of 4 stars). 5 submissions from 5 submitters: Benign (4). 1 of the submissions does not count toward it. Last evaluated 2026-08-01.

Conditions:
PCCA-related disorder. Also called: PCCA-related condition.
Propionic acidemia (PROP). Also called: GLYCINEMIA, KETOTIC; HYPERGLYCINEMIA WITH KETOACIDOSIS AND LEUKOPENIA; KETOTIC HYPERGLYCINEMIA. Identifiers: Orphanet 35, MedGen C0268579, MONDO:0011628, OMIM 606054, HP:0003571.

Submissions (5):

CeGaT Center for Human Genetics Tuebingen
Classification: Benign. Last evaluated: 2026-08-01. Review status: criteria provided, single submitter. Criteria: CeGaT Center For Human Genetics Tuebingen Variant Classification Criteria Version 2. Collection method: clinical testing. Allele origin: germline. Affected: yes. Observed: 4 variant alleles.
Comment: PCCA: BS1, BS2

Labcorp Genetics (formerly Invitae), Labcorp
Classification: Benign for Propionic acidemia. Last evaluated: 2026-01-28. Review status: criteria provided, single submitter. Criteria: Invitae Variant Classification Sherloc (09022015). Collection method: clinical testing. Allele origin: germline.

ARUP Laboratories, Molecular Genetics and Genomics, ARUP Laboratories
Classification: Benign for Propionic acidemia. Last evaluated: 2023-09-22. Review status: criteria provided, single submitter. Criteria: ARUP Molecular Germline Variant Investigation Process 2024. Collection method: clinical testing. Allele origin: germline.

GeneDx
Classification: Benign. Last evaluated: 2016-12-23. Review status: criteria provided, single submitter. Criteria: GeneDx Variant Classification Process June 2021. Collection method: clinical testing. Allele origin: germline. Affected: yes.

PreventionGenetics, part of Exact Sciences
Classification: Benign for PCCA-related condition. Last evaluated: 2019-05-31. Review status: no assertion criteria provided. Collection method: clinical testing. Allele origin: germline. Not counted in ClinVar's aggregate classification.
Comment: This variant is classified as benign based on ACMG/AMP sequence variant interpretation guidelines (Richards et al. 2015 PMID: 25741868, with internal and published modifications).

NM_000282.4(PCCA):c.1285-13_1285-6del

Gene: PCCA (propionyl-CoA carboxylase subunit alpha; plus strand). Cytogenetic location: 13q32.3.
Variant type: Microsatellite.
Coding change: c.1285-13_1285-6del on transcript NM_000282.4 (MANE Select); 13 bases into the intron before coding-DNA position 1285 through 6 bases into the intron before coding-DNA position 1285, 8 bases deleted (TTTTTTCT; older notation c.1285-13_1285-6delTTTTTTCT).
Molecular consequence: intron variant.
Genome position (GRCh38, 1-based): chr13:100,307,179-100,307,186, TTTTTTCT deleted; deleting any 8 consecutive bases within chr13:100,307,165-100,307,186 gives the same sequence; the c. name uses the placement nearest the transcript's 3' end. VCF-style (leftmost placement, unchanged base first): chr13-100307164-CTTTTCTTT-C. GRCh37 (hg19) VCF-style: chr13-100959418-CTTTTCTTT-C.
Other names: c.1285-13_1285-6del8 (NM_000282.3); c.1285-13_1285-6del (NM_001178004.2, NM_001352605.2, NM_001352609.2); c.1141-13_1141-6del (NM_001352606.2); c.340-13_340-6del (NM_001352610.2, NM_001352611.2); c.196-13_196-6del (NM_001352612.2); c.1207-13_1207-6del (NM_001127692.3, NM_001352607.2); c.1063-13_1063-6del (NM_001352608.2).
Identifiers: ClinVar variation 1165393 (VCV001165393.27), dbSNP rs535982202, ClinGen allele CA7033590.
Genomic context (GRCh38, chr13:100,307,164, plus strand): 5'-CATTTTCTCCATGGAAATGAAATTGGTGGTTACAAAAAAATATCTACACAATATGAATTA[CTTTTCTTT>C]TTTTCTTTTTTTCTCCCAGGTCCGAGTGGACAGTGGCATCCAACCAGGAAGTGATATTAG-3'